The following is an entry in ClinVar:

ClinVar aggregate classification (germline): Uncertain significance (1 of 4 stars; one submission).

Submission:

Labcorp Genetics (formerly Invitae), Labcorp
Classification: Uncertain significance. Last evaluated: 2023-11-19. Review status: criteria provided, single submitter. Criteria: Invitae Variant Classification Sherloc (09022015). Collection method: clinical testing. Allele origin: germline.
Comment: This variant results in a copy number gain of the genomic region encompassing exon(s) 5-8 of the NXN gene. This region includes the termination codon of the gene. This copy number gain extends beyond the assayed region for this gene and therefore may encompass additional genes. As the precise location of this event is unknown, it may be in tandem or it may be located elsewhere in the genome. This variant has not been reported in the literature in individuals affected with NXN-related conditions. Experimental studies and prediction algorithms are not available or were not evaluated, and the functional significance of this variant is currently unknown. In summary, the available evidence is currently insufficient to determine the role of this variant in disease. Therefore, it has been classified as a Variant of Uncertain Significance.

NC_000017.10:g.(?_505015)_(722805_?)dup

Genes: GEMIN4 (gem nuclear organelle associated protein 4; minus strand), GLOD4 (glyoxalase domain containing 4; minus strand), MRM3 (mitochondrial rRNA methyltransferase 3; plus strand), NXN (nucleoredoxin; minus strand), TLCD3A (TLC domain containing 3A; plus strand) and 1 more. Cytogenetic location: 17p13.3.
Variant type: Duplication.
Identifiers: ClinVar variation 2426762 (VCV002426762.4).